The following is an entry in ClinVar:

ClinVar aggregate classification (germline): Uncertain significance (1 of 4 stars; one submission).

Conditions:
Episodic ataxia type 1 (EA1). Also called: Episodic ataxia/myokymia syndrome; PAROXYSMAL ATAXIA WITH NEUROMYOTONIA, HEREDITARY; ATAXIA, EPISODIC, WITH MYOKYMIA; MYOKYMIA WITH PERIODIC ATAXIA. Identifiers: Orphanet 37612, Orphanet 972, MedGen C1719788, MONDO:0008047, OMIM 160120.

Submission:

Labcorp Genetics (formerly Invitae), Labcorp
Classification: Uncertain significance for Episodic ataxia type 1. Last evaluated: 2022-04-17. Review status: criteria provided, single submitter. Criteria: Invitae Variant Classification Sherloc (09022015). Collection method: clinical testing. Allele origin: germline.
Comment: In summary, the available evidence is currently insufficient to determine the role of this variant in disease. Therefore, it has been classified as a Variant of Uncertain Significance. Advanced modeling of protein sequence and biophysical properties (such as structural, functional, and spatial information, amino acid conservation, physicochemical variation, residue mobility, and thermodynamic stability) performed at Invitae indicates that this missense variant is expected to disrupt KCNA1 protein function. This variant has not been reported in the literature in individuals affected with KCNA1-related conditions. This variant is not present in population databases (gnomAD no frequency). This sequence change replaces leucine, which is neutral and non-polar, with proline, which is neutral and non-polar, at codon 291 of the KCNA1 protein (p.Leu291Pro).

NM_000217.3(KCNA1):c.872T>C (p.Leu291Pro)

Gene: KCNA1 (potassium voltage-gated channel subfamily A member 1; plus strand). Cytogenetic location: 12p13.32.
Variant type: single nucleotide variant.
Coding change: c.872T>C on transcript NM_000217.3 (MANE Select); coding-DNA position 872, T replaced by C.
Protein change: p.Leu291Pro; replaces leucine 291 with proline.
Molecular consequence: missense variant.
Genome position (GRCh38, 1-based): chr12:4,912,250, T>C. VCF-style: chr12-4912250-T-C. GRCh37 (hg19) VCF-style: chr12-5021416-T-C.
Other names: short protein forms L291P.
Identifiers: ClinVar variation 1520308 (VCV001520308.6), dbSNP rs1064796844, ClinGen allele CA383455528.